The following is an entry in ClinVar:

ClinVar aggregate classification (germline): Benign. Review status: criteria provided, multiple submitters, no conflicts (2 of 4 stars). 2 submissions from 2 submitters: Benign (2). Last evaluated 2018-01-12.

Conditions:
Congenital bile acid synthesis defect 2 (CBAS2). Also called: CHOLESTASIS WITH DELTA(4)-3-OXOSTEROID 5-BETA-REDUCTASE DEFICIENCY. Identifiers: Orphanet 79303, MedGen C1856127, MONDO:0009339, OMIM 235555.

Allele frequency attached by ClinVar (database versions not stated): TOPMed 0.00798; 1000 Genomes Project 30x 0.01124; 1000 Genomes Project 0.01178.

Submissions (2):

Illumina Laboratory Services, Illumina
Classification: Benign for Congenital bile acid synthesis defect 2. Last evaluated: 2018-01-12. Review status: criteria provided, single submitter. Criteria: ICSL Variant Classification Criteria 13 December 2019. Collection method: clinical testing. Allele origin: germline.
Comment: This variant was observed in the ICSL laboratory as part of a predisposition screen in an ostensibly healthy population. It had not been previously curated by ICSL or reported in the Human Gene Mutation Database (HGMD: prior to June 1st, 2018), and was therefore a candidate for classification through an automated scoring system. Utilizing variant allele frequency, disease prevalence and penetrance estimates, and inheritance mode, an automated score was calculated to assess if this variant is too frequent to cause the disease. Based on the score and internal cut-off values, a variant classified as benign is not then subjected to further curation. The score for this variant resulted in a classification of benign for this disease.

Breakthrough Genomics
Classification: Benign. Review status: criteria provided, single submitter. Criteria: ACMG Guidelines, 2015. Collection method: not provided. Allele origin: germline. Inheritance: Autosomal recessive inheritance. Affected: yes.

NM_005989.4(AKR1D1):c.*1139G>C

Gene: AKR1D1 (aldo-keto reductase family 1 member D1; plus strand). Cytogenetic location: 7q33.
Variant type: single nucleotide variant.
Coding change: c.*1139G>C on transcript NM_005989.4 (MANE Select); 1139 bases downstream of the stop codon, G replaced by C.
Molecular consequence: 3 prime UTR variant.
Genome position (GRCh38, 1-based): chr7:138,117,801, G>C. VCF-style: chr7-138117801-G-C. GRCh37 (hg19) VCF-style: chr7-137802547-G-C.
Other names: c.*1139G>C (NM_001190906.2); c.*1164G>C (NM_001190907.2).
Identifiers: ClinVar variation 358976 (VCV000358976.6), dbSNP rs566511122, ClinGen allele CA10623302.